The following is an entry in ClinVar:

ClinVar aggregate classification (germline): Uncertain significance (1 of 4 stars; one submission).

Conditions:
Autosomal dominant polycystic kidney disease. Identifiers: Orphanet 730, MedGen C0085413, MONDO:0004691.

Submission:

Labcorp Genetics (formerly Invitae), Labcorp
Classification: Uncertain significance for Autosomal dominant polycystic kidney disease. Last evaluated: 2025-12-16. Review status: criteria provided, single submitter. Criteria: Invitae Variant Classification Sherloc (09022015). Collection method: clinical testing. Allele origin: germline.
Comment: This sequence change replaces glycine, which is neutral and non-polar, with alanine, which is neutral and non-polar, at codon 140 of the PKD2 protein (p.Gly140Ala). This variant is not present in population databases (gnomAD no frequency). This variant has not been reported in the literature in individuals affected with PKD2-related conditions. An algorithm developed to predict the effect of missense changes on protein structure and function outputs the following: PolyPhen-2: "Benign". The alanine amino acid residue is found in multiple mammalian species, which suggests that this missense change does not adversely affect protein function. In summary, the available evidence is currently insufficient to determine the role of this variant in disease. Therefore, it has been classified as a Variant of Uncertain Significance.

NM_000297.4(PKD2):c.419G>C (p.Gly140Ala)

Genes: PKD2 (polycystin 2, transient receptor potential cation channel; plus strand), LOC129992813 (ATAC-STARR-seq lymphoblastoid silent region 15559; plus strand). Cytogenetic location: 4q22.1.
Variant type: single nucleotide variant.
Coding change: c.419G>C on transcript NM_000297.4 (MANE Select); coding-DNA position 419, G replaced by C.
Protein change: p.Gly140Ala; replaces glycine 140 with alanine.
Molecular consequence: missense variant. On other transcripts: non-coding transcript variant (1).
Genome position (GRCh38, 1-based): chr4:88,008,152, G>C. VCF-style: chr4-88008152-G-C. GRCh37 (hg19) VCF-style: chr4-88929304-G-C.
Other names: c.419G>C, p.Gly140Ala (NM_001440544.1); short protein forms G140A.
Identifiers: ClinVar variation 4733347 (VCV004733347.1).